The following is an entry in ClinVar:

NC_000019.9:g.(?_48342557)_(48343224_?)dup

Gene: CRX (cone-rod homeobox; plus strand). Cytogenetic location: 19q13.33.
Variant type: Duplication.
Identifiers: ClinVar variation 1409884 (VCV001409884.5).

ClinVar aggregate classification (germline): Uncertain significance (1 of 4 stars; one submission).

Conditions:
Leber congenital amaurosis 7 (LCA7). Identifiers: Orphanet 65, MedGen C3151192, MONDO:0013449, OMIM 613829.
Cone-rod dystrophy 2 (CORD2). Also called: CONE-ROD RETINAL DYSTROPHY; Cone-rod retinal dystrophy 2. Identifiers: Orphanet 1872, MedGen C3489532, MONDO:0007362, OMIM 120970.

Submission:

Labcorp Genetics (formerly Invitae), Labcorp
Classification: Uncertain significance for Cone-rod dystrophy 2; Leber congenital amaurosis 7. Last evaluated: 2022-07-05. Review status: criteria provided, single submitter. Criteria: Invitae Variant Classification Sherloc (09022015). Collection method: clinical testing. Allele origin: germline.
Comment: In summary, the available evidence is currently insufficient to determine the role of this variant in disease. Therefore, it has been classified as a Variant of Uncertain Significance. Experimental studies and prediction algorithms are not available or were not evaluated, and the functional significance of this variant is currently unknown. This variant has not been reported in the literature in individuals affected with CRX-related conditions. This variant results in a copy number gain of the genomic region encompassing exon(s) 4 of the CRX gene. This region includes the termination codon of the gene. This copy number gain extends beyond the assayed region for this gene and therefore may encompass additional genes. As the precise location of this event is unknown, it may be in tandem or it may be located elsewhere in the genome.